The following is an entry in ClinVar:

NM_013435.3(RAX):c.*1437G>A

Gene: RAX (retina and anterior neural fold homeobox; minus strand). Cytogenetic location: 18q21.32.
Variant type: single nucleotide variant.
Coding change: c.*1437G>A on transcript NM_013435.3 (MANE Select); 1437 bases downstream of the stop codon, G replaced by A.
Molecular consequence: 3 prime UTR variant.
Genome position (GRCh38, 1-based): chr18:59,267,567, C>T on the plus strand (G>A on the coding strand, the complement: RAX is on the minus strand). VCF-style: chr18-59267567-C-T. GRCh37 (hg19) VCF-style: chr18-56934799-C-T.
Identifiers: ClinVar variation 889742 (VCV000889742.4), dbSNP rs114467275, ClinGen allele CA300979481.
Genomic context (GRCh38, chr18:59,267,567, plus strand): 5'-GAAAGGGGACTGGGAGCTTCACTAATTTGCTCAGGACCGACAGACAGTAGCCAGTTGATG[C>T]TAATTAAGGCTCTGGGGGCATCATCCTGAAAGCACGCTTAGGGACGGGGGTTGTGGGGTG-3'

ClinVar aggregate classification (germline): Likely benign (1 of 4 stars; one submission).

Conditions:
Isolated microphthalmia 3 (MCOPS16). Also called: MICROPHTHALMIA, SYNDROMIC 16. Identifiers: Orphanet 2542, MedGen C5774181, MONDO:0012604, OMIM 611038.

Allele frequency attached by ClinVar (database versions not stated): TOPMed 0.00678; 1000 Genomes Project 0.00958; 1000 Genomes Project 30x 0.01093.

Submission:

Illumina Laboratory Services, Illumina
Classification: Likely benign for Isolated microphthalmia 3. Last evaluated: 2018-01-13. Review status: criteria provided, single submitter. Criteria: ICSL Variant Classification Criteria 13 December 2019. Collection method: clinical testing. Allele origin: germline.
Comment: This variant was observed in the ICSL laboratory as part of a predisposition screen in an ostensibly healthy population. It had not been previously curated by ICSL or reported in the Human Gene Mutation Database (HGMD: prior to June 1st, 2018), and was therefore a candidate for classification through an automated scoring system. Utilizing variant allele frequency, disease prevalence and penetrance estimates, and inheritance mode, an automated score was calculated to assess if this variant is too frequent to cause the disease. Based on the score and internal cut-off values, a variant classified as likely benign is not then subjected to further curation. The score for this variant resulted in a classification of likely benign for this disease.